The following is an entry in ClinVar:

NM_001364905.1(LRBA):c.1071C>T (p.Phe357=)

Gene: LRBA (LPS responsive beige-like anchor protein; minus strand). Cytogenetic location: 4q31.3.
Variant type: single nucleotide variant.
Coding change: c.1071C>T on transcript NM_001364905.1 (MANE Select); coding-DNA position 1071, C replaced by T.
Protein change: p.Phe357=; no amino-acid change (phenylalanine 357 retained).
Molecular consequence: synonymous variant.
Genome position (GRCh38, 1-based): chr4:150,914,285, G>A on the plus strand (C>T on the coding strand, the complement: LRBA is on the minus strand). VCF-style: chr4-150914285-G-A. GRCh37 (hg19) VCF-style: chr4-151835437-G-A.
Other names: c.1071C>T, p.Phe357= (NM_001199282.3, NM_001367550.1, NM_006726.5).
Identifiers: ClinVar variation 758352 (VCV000758352.35), dbSNP rs749749471, ClinGen allele CA3103671.

ClinVar aggregate classification (germline): Likely benign. Review status: criteria provided, multiple submitters, no conflicts (2 of 4 stars). 3 submissions from 3 submitters: Likely benign (2). 1 of the submissions does not count toward it. Last evaluated 2025-06-22.

Conditions:
LRBA-related disorder. Also called: LRBA-related condition.
Combined immunodeficiency due to LRBA deficiency. Also called: Common variable immunodeficiency 8, with autoimmunity. Identifiers: Orphanet 445018, MedGen C3553512, MONDO:0013863, OMIM 614700.

Allele frequency attached by ClinVar (database versions not stated): gnomAD exomes 0.00005 and 0.00010; ExAC 0.00007; gnomAD 0.00011 and 0.00012.
gnomAD v4.1: 95 of 1,602,396 alleles (0.0059%); highest among the groups gnomAD compares: Admixed American, 0.0034%; no homozygotes.

Submissions (3):

Labcorp Genetics (formerly Invitae), Labcorp
Classification: Likely benign for Combined immunodeficiency due to LRBA deficiency. Last evaluated: 2025-06-22. Review status: criteria provided, single submitter. Criteria: Invitae Variant Classification Sherloc (09022015). Collection method: clinical testing. Allele origin: germline.

CeGaT Center for Human Genetics Tuebingen
Classification: Likely benign. Last evaluated: 2023-01-01. Review status: criteria provided, single submitter. Criteria: CeGaT Center For Human Genetics Tuebingen Variant Classification Criteria Version 2. Collection method: clinical testing. Allele origin: germline. Affected: yes. Observed: 1 variant allele.
Comment: LRBA: BP4, BP7

PreventionGenetics, part of Exact Sciences
Classification: Likely benign for LRBA-related condition. Last evaluated: 2022-05-11. Review status: no assertion criteria provided. Collection method: clinical testing. Allele origin: germline. Not counted in ClinVar's aggregate classification.
Comment: This variant is classified as likely benign based on ACMG/AMP sequence variant interpretation guidelines (Richards et al. 2015 PMID: 25741868, with internal and published modifications).